The following is an entry in ClinVar:

ClinVar aggregate classification (germline): Uncertain significance (1 of 4 stars; one submission).

Conditions:
Hereditary cancer-predisposing syndrome. Also called: Hereditary Cancer Syndrome; Hereditary neoplastic syndrome; Neoplastic Syndromes, Hereditary; Tumor predisposition. Identifiers: Orphanet 140162, MedGen C0027672, MeSH D009386, MONDO:0015356.

Submission:

Ambry Genetics
Classification: Uncertain significance for Hereditary cancer-predisposing syndrome. Last evaluated: 2025-08-02. Review status: criteria provided, single submitter. Criteria: Ambry Variant Classification Scheme 2023. Collection method: clinical testing. Allele origin: germline.
Comment: The p.Q662E variant (also known as c.1984C>G), located in coding exon 13 of the CTNNA1 gene, results from a C to G substitution at nucleotide position 1984. The glutamine at codon 662 is replaced by glutamic acid, an amino acid with highly similar properties. This amino acid position is conserved. In addition, this alteration is predicted to be tolerated by in silico analysis. Based on the available evidence, the clinical significance of this variant remains unclear.

NM_001903.5(CTNNA1):c.1984C>G (p.Gln662Glu)

Gene: CTNNA1 (catenin alpha 1; plus strand). Cytogenetic location: 5q31.2.
Variant type: single nucleotide variant.
Coding change: c.1984C>G on transcript NM_001903.5 (MANE Select); coding-DNA position 1984, C replaced by G.
Protein change: p.Gln662Glu; replaces glutamine 662 with glutamic acid.
Molecular consequence: missense variant.
Genome position (GRCh38, 1-based): chr5:138,929,330, C>G. VCF-style: chr5-138929330-C-G. GRCh37 (hg19) VCF-style: chr5-138265019-C-G.
Other names: c.1984C>G, p.Gln662Glu (NM_001290307.3, NM_001323982.2, NM_001323983.1 and 2 more transcripts); c.1675C>G, p.Gln559Glu (NM_001290309.3); c.1615C>G, p.Gln539Glu (NM_001290310.3); c.874C>G, p.Gln292Glu (NM_001290312.1, NM_001323993.1, NM_001323994.1 and 17 more transcripts); c.1891C>G, p.Gln631Glu (NM_001323986.2); c.535C>G, p.Gln179Glu (NM_001324006.1, NM_001324007.1, NM_001324008.1 and 2 more transcripts); c.781C>G, p.Gln261Glu (NM_001324011.1); c.631C>G, p.Gln211Glu (NM_001324012.1, NM_001324013.1); short protein forms Q179E, Q559E, Q292E, Q539E, Q631E, Q261E, Q211E, Q662E.
Identifiers: ClinVar variation 4235618 (VCV004235618.1).